The following is an entry in ClinVar:

ClinVar aggregate classification (germline): Uncertain significance. Review status: criteria provided, single submitter (1 of 4 stars). 2 submissions from 2 submitters: Uncertain significance (1). 1 of the submissions does not count toward it. Last evaluated 2024-10-20.

Conditions:
FAT2-related disorder. Also called: FAT2-related condition.

Allele frequency attached by ClinVar (database versions not stated): ExAC 0.00001; gnomAD exomes 0.00001.
gnomAD v4.1: 5 of 1,614,198 alleles (0.00031%); highest among the groups gnomAD compares: Admixed American, 0.0083%; no homozygotes.

Submissions (2):

Ambry Genetics
Classification: Uncertain significance. Last evaluated: 2024-10-20. Review status: criteria provided, single submitter. Criteria: Ambry Variant Classification Scheme 2023. Collection method: clinical testing. Allele origin: germline.

PreventionGenetics, part of Exact Sciences
Classification: Uncertain significance for FAT2-related condition. Last evaluated: 2024-02-19. Review status: no assertion criteria provided. Collection method: clinical testing. Allele origin: germline. Not counted in ClinVar's aggregate classification.
Comment: The FAT2 c.910A>G variant is predicted to result in the amino acid substitution p.Lys304Glu. To our knowledge, this variant has not been reported in the literature. This variant is reported in 0.014% of alleles in individuals of Latino descent in gnomAD. At this time, the clinical significance of this variant is uncertain due to the absence of conclusive functional and genetic evidence.

NM_001447.3(FAT2):c.910A>G (p.Lys304Glu)

Gene: FAT2 (FAT atypical cadherin 2; minus strand). Cytogenetic location: 5q33.1.
Variant type: single nucleotide variant.
Coding change: c.910A>G on transcript NM_001447.3 (MANE Select); coding-DNA position 910, A replaced by G.
Protein change: p.Lys304Glu; replaces lysine 304 with glutamic acid.
Molecular consequence: missense variant.
Genome position (GRCh38, 1-based): chr5:151,568,022, T>C on the plus strand (A>G on the coding strand, the complement: FAT2 is on the minus strand). VCF-style: chr5-151568022-T-C. GRCh37 (hg19) VCF-style: chr5-150947583-T-C.
Other names: short protein forms K304E.
Identifiers: ClinVar variation 3061300 (VCV003061300.3), dbSNP rs779113870, ClinGen allele CA3522353.